The following is an entry in ClinVar:

ClinVar aggregate classification (germline): Uncertain significance (1 of 4 stars; one submission).

Conditions:
Inborn genetic diseases. Identifiers: MedGen C0950123, MeSH D030342.

Submission:

Ambry Genetics
Classification: Uncertain significance for Inborn genetic diseases. Last evaluated: 2022-08-22. Review status: criteria provided, single submitter. Criteria: Ambry Variant Classification Scheme 2023. Collection method: clinical testing. Allele origin: germline.
Comment: The p.M438I variant (also known as c.1314G>A), located in coding exon 14 of the ERCC2 gene, results from a G to A substitution at nucleotide position 1314. The methionine at codon 438 is replaced by isoleucine, an amino acid with highly similar properties. This amino acid position is conserved. In addition, the in silico prediction for this alteration is inconclusive. Since supporting evidence is limited at this time, the clinical significance of this alteration remains unclear.

NM_000400.4(ERCC2):c.1314G>A (p.Met438Ile)

Gene: ERCC2 (ERCC excision repair 2, TFIIH core complex helicase subunit; minus strand). Cytogenetic location: 19q13.32.
Variant type: single nucleotide variant.
Coding change: c.1314G>A on transcript NM_000400.4 (MANE Select); coding-DNA position 1314, G replaced by A.
Protein change: p.Met438Ile; replaces methionine 438 with isoleucine.
Molecular consequence: missense variant.
Genome position (GRCh38, 1-based): chr19:45,357,537, C>T on the plus strand (G>A on the coding strand, the complement: ERCC2 is on the minus strand). VCF-style: chr19-45357537-C-T. GRCh37 (hg19) VCF-style: chr19-45860795-C-T.
Other names: short protein forms M438I.
Identifiers: ClinVar variation 1769755 (VCV001769755.2), dbSNP rs2514013450, ClinGen allele CA406367717.
Genomic context (GRCh38, chr19:45,357,537, plus strand): 5'-AGATGTGATGATGACAGACTGGAAACGCTCAAATACGGGTTTGATGGCCAGCGAGGCGTC[C>T]ATGCAGCTGGAGAGAGATGAGGGCAGTGAGGGCCCGGGGGGCTGGGCCCCCGACCCACAG-3'
Protein context (NP_000391.1, residues 428-448): IANPILHFSC[Met438Ile]DASLAIKPVF